The following is an entry in ClinVar:

ClinVar aggregate classification (germline): Uncertain significance (1 of 4 stars; one submission).

Allele frequency attached by ClinVar (database versions not stated): ExAC 0.00002; TOPMed 0.00006; gnomAD 0.00007.

Submission:

Labcorp Genetics (formerly Invitae), Labcorp
Classification: Uncertain significance. Last evaluated: 2025-06-13. Review status: criteria provided, single submitter. Criteria: Invitae Variant Classification Sherloc (09022015). Collection method: clinical testing. Allele origin: germline.
Comment: This sequence change replaces valine, which is neutral and non-polar, with methionine, which is neutral and non-polar, at codon 62 of the GNPTG protein (p.Val62Met). This variant is present in population databases (rs200574942, gnomAD 0.007%). This variant has not been reported in the literature in individuals affected with GNPTG-related conditions. ClinVar contains an entry for this variant (Variation ID: 2073949). Invitae Evidence Modeling of protein sequence and biophysical properties (such as structural, functional, and spatial information, amino acid conservation, physicochemical variation, residue mobility, and thermodynamic stability) indicates that this missense variant is not expected to disrupt GNPTG protein function with a negative predictive value of 80%. In summary, the available evidence is currently insufficient to determine the role of this variant in disease. Therefore, it has been classified as a Variant of Uncertain Significance.

NM_032520.5(GNPTG):c.184G>A (p.Val62Met)

Gene: GNPTG (N-acetylglucosamine-1-phosphate transferase subunit gamma; plus strand). Cytogenetic location: 16p13.3.
Variant type: single nucleotide variant.
Coding change: c.184G>A on transcript NM_032520.5 (MANE Select); coding-DNA position 184, G replaced by A.
Protein change: p.Val62Met; replaces valine 62 with methionine.
Molecular consequence: missense variant.
Genome position (GRCh38, 1-based): chr16:1,361,748, G>A. VCF-style: chr16-1361748-G-A. GRCh37 (hg19) VCF-style: chr16-1411749-G-A.
Other names: short protein forms V62M.
Identifiers: ClinVar variation 2073949 (VCV002073949.2), dbSNP rs200574942, ClinGen allele CA7807516.
Genomic context (GRCh38, chr16:1,361,748, plus strand): 5'-TTTGCAGACAGGTTCTGTGCTTGGACCCTGGGGATCAGTGTGAGGTCTCTTCCAGGACCC[G>A]TGCATCTCTTCCGACTCTCGGGCAAGTGCTTCAGCCTGGTGGAGTCCACGTGAGTGCAGG-3'
Protein context (NP_115909.1, residues 52-72): KRDPSPVSGP[Val62Met]HLFRLSGKCF